The following is an entry in ClinVar:

NM_001035.3(RYR2):c.7511C>T (p.Thr2504Met)

Gene: RYR2 (ryanodine receptor 2; plus strand). Cytogenetic location: 1q43.
Variant type: single nucleotide variant.
Coding change: c.7511C>T on transcript NM_001035.3 (MANE Select); coding-DNA position 7511, C replaced by T.
Protein change: p.Thr2504Met; replaces threonine 2504 with methionine.
Molecular consequence: missense variant.
Genome position (GRCh38, 1-based): chr1:237,648,612, C>T. VCF-style: chr1-237648612-C-T. GRCh37 (hg19) VCF-style: chr1-237811912-C-T.
Other names: c.7511C>T, p.Thr2504Met (LRG_402t1); short protein forms T2504M.
Identifiers: ClinVar variation 567443 (VCV000567443.20), dbSNP rs769219555, ClinGen allele CA087400.

ClinVar aggregate classification (germline): Uncertain significance. Review status: criteria provided, multiple submitters, no conflicts (2 of 4 stars). 5 submissions from 5 submitters: Uncertain significance (5). Last evaluated 2026-04-16.

Conditions:
Cardiovascular phenotype. Identifiers: MedGen CN230736.
Catecholaminergic polymorphic ventricular tachycardia (CVPT). Also called: Catecholamine-induced polymorphic ventricular tachycardia. Identifiers: Orphanet 3286, MedGen C5574922, MONDO:0017990.
Catecholaminergic polymorphic ventricular tachycardia 1. Also called: VENTRICULAR TACHYCARDIA, CATECHOLAMINERGIC POLYMORPHIC, 1, WITH OR WITHOUT ATRIAL DYSFUNCTION AND/OR DILATED CARDIOMYOPATHY; RYR2-Related Catecholaminergic Polymorphic Ventricular Tachycardia; VENTRICULAR TACHYCARDIA, STRESS-INDUCED POLYMORPHIC 1. Identifiers: Orphanet 3286, MedGen C1631597, MONDO:0011484, OMIM 604772.
Cardiomyopathy (CMYO). Also called: Cardiomyopathies. Identifiers: Orphanet 167848, MedGen C0878544, MONDO:0004994, HP:0001638. Inheritance: Various modes of inheritance.

Allele frequency attached by ClinVar (database versions not stated): gnomAD exomes 0.00003 and 0.00004; gnomAD 0.00008 and 0.00009; TOPMed 0.00011; ExAC 0.00009.
gnomAD v4.1: 57 of 1,607,438 alleles (0.0035%); highest among the groups gnomAD compares: Middle Eastern, 0.017%; no homozygotes.

Submissions (5):

Ambry Genetics
Classification: Uncertain significance for Cardiovascular phenotype. Last evaluated: 2026-04-16. Review status: criteria provided, single submitter. Criteria: Ambry Variant Classification Scheme 2023. Collection method: clinical testing. Allele origin: germline.

Labcorp Genetics (formerly Invitae), Labcorp
Classification: Uncertain significance for Catecholaminergic polymorphic ventricular tachycardia 1. Last evaluated: 2025-12-24. Review status: criteria provided, single submitter. Criteria: Invitae Variant Classification Sherloc (09022015). Collection method: clinical testing. Allele origin: germline.
Comment: This sequence change replaces threonine, which is neutral and polar, with methionine, which is neutral and non-polar, at codon 2504 of the RYR2 protein (p.Thr2504Met). The frequency data for this variant in the population databases is considered unreliable, as metrics indicate poor data quality at this position in the gnomAD database. This missense change has been observed in individual(s) with clinical features of RYR2-related conditions (PMID: 11159936, 12106942, 24978818, 28416588, 32152366, 37227348). ClinVar contains an entry for this variant (Variation ID: 567443). An algorithm developed to predict the effect of missense changes on protein structure and function (PolyPhen-2) suggests that this variant is likely to be disruptive. Experimental studies have shown that this missense change affects RYR2 function (PMID: 15364613). In summary, the available evidence is currently insufficient to determine the role of this variant in disease. Therefore, it has been classified as a Variant of Uncertain Significance.

Women's Health and Genetics/Laboratory Corporation of America, LabCorp
Classification: Uncertain significance. Last evaluated: 2025-06-23. Review status: criteria provided, single submitter. Criteria: LabCorp Variant Classification Summary - May 2015. Collection method: clinical testing. Allele origin: germline.
Comment: Variant summary: RYR2 c.7511C>T (p.Thr2504Met) results in a non-conservative amino acid change in the encoded protein sequence. Algorithms developed to predict the effect of missense changes on protein structure and function all suggest that this variant is likely to be disruptive. Several computational tools predict a significant impact on normal splicing: Three predict the variant weakens a 5' donor site. One predict the variant no significant impact on splicing. However, these predictions have yet to be confirmed by functional studies. The variant allele was found at a frequency of 4.2e-05 in 237960 control chromosomes, predominantly at a frequency of 0.00021 within the African or African-American subpopulation in the gnomAD database. The available data on variant occurrences in the general population are insufficient to allow any conclusion about variant significance. c.7511C>T has been reported in a variety of cardiac conditions, such as, in affected family members from a single family affected with arrhythmogenic right ventricular cardiomyopathy type 2 (ARVD2) (Tiso_2001), in affected and unaffected family members of a family affected with ventricular tachycardias (Bauce_2002), an individual with idopathic ventricular tachycardia (IVT) (Akilzhanova_2014) and an individual with dilated cardiomyopathy (DCM) (Dal Ferro_2017). Since the penetrance due to this variant appears to be lower than expected, no conclusions can be drawn from these data. At-least one co-occurrence with another pathogenic variant has been reported (Tiso_2001, RYR2 c.527G>A, p.Arg176Gln). At least one publication reports experimental evidence evaluating an impact on protein function, however, does not allow convincing conclusions about the variant effect in isolation (Thomas_2004). The following publications have been ascertained in the context of this evaluation (PMID: 24978818, 12106942, 28416588, 33552729, 32152366, 15364613, 11159936). ClinVar contains an entry for this variant (Variation ID: 567443). Based on the evidence outlined above, the variant was classified as uncertain significance.

All of Us Research Program, National Institutes of Health
Classification: Uncertain significance for Catecholaminergic polymorphic ventricular tachycardia. Last evaluated: 2024-08-06. Review status: criteria provided, single submitter. Criteria: ACMG Guidelines, 2015. Collection method: clinical testing. Allele origin: germline. Inheritance: Autosomal dominant inheritance. Observed: 11 variant alleles, 11 heterozygotes.
Comment: This missense variant replaces threonine with methionine at codon 2504 of the RYR2 protein. Computational prediction suggests that this variant may have a deleterious impact on protein structure and function (internally defined REVEL score threshold >= 0.7, PMID: 27666373). A functional study has shown that this variant changes calcium channel activities (PMID: 15364613). This variant has been reported in a family affected with arrhythmogenic right ventricular dysplasia type 2 including three affected individuals who also carried another pathogenic RYR2 variant (PMID: 11159936). This variant has also been reported in two related individuals affected with polymorphic ventricular arrhythmia (PMID: 12106942) as well as in three unaffected family members. Additionally, this variant has been reported in an individual affected with idiopathic ventricular tachycardia (PMID: 24978818) and in an individual affected with dilated cardiomyopathy (PMID: 28416588). This variant has been identified in 13/269360 chromosomes in the general population by the Genome Aggregation Database (gnomAD). The available evidence is insufficient to determine the role of this variant in disease conclusively. Therefore, this variant is classified as a Variant of Uncertain Significance.

This study involves interpretation of variants in research participants for the purpose of population health screening. Participant phenotype was not available at the time of variant classification. Additional details can be found in publication PMID: 35346344, PMCID: PMC8962531

Color Diagnostics, LLC DBA Color Health
Classification: Uncertain significance for Cardiomyopathy. Last evaluated: 2024-04-30. Review status: criteria provided, single submitter. Criteria: ACMG Guidelines, 2015. Collection method: clinical testing. Allele origin: germline.
Comment: This missense variant replaces threonine with methionine at codon 2504 of the RYR2 protein. Computational prediction suggests that this variant may have a deleterious impact on protein structure and function (internally defined REVEL score threshold >= 0.7, PMID: 27666373). A functional study has shown that this variant changes calcium channel activities (PMID: 15364613). This variant has been reported in a family affected with arrhythmogenic right ventricular dysplasia type 2 including three affected individuals who also carried another pathogenic RYR2 variant (PMID: 11159936). This variant has also been reported in two related individuals affected with polymorphic ventricular arrhythmia (PMID: 12106942) as well as in three unaffected family members. Additionally, this variant has been reported in individuals affected with idiopathic ventricular tachycardia (PMID: 24978818, 33552729), dilated cardiomyopathy (PMID: 28416588), and primary cardiomyopathy (PMID: 37477868). This variant has been identified in 13/269360 chromosomes in the general population by the Genome Aggregation Database (gnomAD). The available evidence is insufficient to determine the role of this variant in disease conclusively. Therefore, this variant is classified as a Variant of Uncertain Significance.

Literature cited by the submitters: PubMed 11159936 (cited by 4 submitters); PubMed 12106942 (cited by 4 submitters); PubMed 24978818 (cited by 4 submitters); PubMed 28416588 (cited by 4 submitters); PubMed 32152366 (cited by Labcorp Genetics (formerly Invitae), Labcorp and Women's Health and Genetics/Laboratory Corporation of America, LabCorp); PubMed 37227348 (cited by Labcorp Genetics (formerly Invitae), Labcorp); PubMed 15364613 (cited by 4 submitters); PubMed 33552729 (cited by Women's Health and Genetics/Laboratory Corporation of America, LabCorp and Color Diagnostics, LLC DBA Color Health); PubMed 37477868 (cited by Color Diagnostics, LLC DBA Color Health).